The following is an entry in ClinVar:

ClinVar aggregate classification (germline): Uncertain significance. Review status: criteria provided, multiple submitters, no conflicts (2 of 4 stars). 2 submissions from 2 submitters: Uncertain significance (2). Last evaluated 2026-01-06.

Conditions:
Muscular dystrophy-dystroglycanopathy (congenital with brain and eye anomalies), type A2. Also called: WALKER-WARBURG SYNDROME OR MUSCLE-EYE-BRAIN DISEASE, POMT2-RELATED; MUSCULAR DYSTROPHY-DYSTROGLYCANOPATHY (CONGENITAL WITH BRAIN AND EYE ANOMALIES), TYPE A, 2. Identifiers: Orphanet 588, Orphanet 899, MedGen C3150411, MONDO:0013154, OMIM 613150.

Allele frequency attached by ClinVar (database versions not stated): TOPMed 0.00001.

Submissions (2):

Dasa
Classification: Uncertain significance for Muscular dystrophy-dystroglycanopathy (congenital with brain and eye anomalies), type A2. Last evaluated: 2026-01-06. Review status: criteria provided, single submitter. Criteria: DASA Assertion Criteria. Collection method: clinical testing. Allele origin: germline.
Comment: NM_013382.7(POMT2):c.1271A>G (p.His424Arg) is a missense variant that results in the substitution of histidine with arginine. This variant is rare in population databases. Computational prediction algorithms are consistent with a deleterious effect. The currently available literature and clinical evidence are not sufficient to establish a definitive association between this variant and the reported condition. Therefore, this variant is classified as a variant of uncertain significance.

Mendelics
Classification: Uncertain significance for Muscular dystrophy-dystroglycanopathy (congenital with brain and eye anomalies), type A2. Last evaluated: 2019-05-28. Review status: criteria provided, single submitter. Criteria: Mendelics Assertion Criteria 2017. Collection method: clinical testing. Allele origin: unknown.

NM_013382.7(POMT2):c.1271A>G (p.His424Arg)

Gene: POMT2 (protein O-mannosyltransferase 2; minus strand). Cytogenetic location: 14q24.3.
Variant type: single nucleotide variant.
Coding change: c.1271A>G on transcript NM_013382.7 (MANE Select); coding-DNA position 1271, A replaced by G.
Protein change: p.His424Arg; replaces histidine 424 with arginine.
Molecular consequence: missense variant.
Genome position (GRCh38, 1-based): chr14:77,286,805, T>C on the plus strand (A>G on the coding strand, the complement: POMT2 is on the minus strand). VCF-style: chr14-77286805-T-C. GRCh37 (hg19) VCF-style: chr14-77753148-T-C.
Other names: short protein forms H424R.
Identifiers: ClinVar variation 803039 (VCV000803039.3), dbSNP rs1359158673, ClinGen allele CA390517766.